The following is an entry in ClinVar:

ClinVar aggregate classification (germline): Uncertain significance (1 of 4 stars; one submission).

Conditions:
Atypical hemolytic-uremic syndrome. Identifiers: Orphanet 2134, MedGen C2931788, MONDO:0016244.
Basal laminar drusen. Also called: DRUSEN OF BRUCH MEMBRANE; DRUSEN, CUTICULAR; DRUSEN, EARLY ADULT-ONSET, GROUPED. Identifiers: Orphanet 75376, MedGen C0730295, MONDO:0007472, OMIM 126700.
Factor H deficiency (CFHD). Also called: COMPLEMENT FACTOR H DEFICIENCY; CFH DEFICIENCY. Identifiers: Orphanet 200421, MedGen C0398777, MONDO:0012350, OMIM 609814.
Age related macular degeneration 4. Identifiers: MedGen C1853147, MONDO:0012540, OMIM 610698.

Submission:

Genomenon, Inc
Classification: Uncertain significance for Basal laminar drusen; Age related macular degeneration 4; Atypical hemolytic-uremic syndrome; Factor H deficiency. Last evaluated: 2025-10-02. Review status: criteria provided, single submitter. Criteria: Genomenon Sequence Variant Interpretation Standards - Updated. Collection method: curation. Allele origin: germline. Affected: no.
Comment: CFH p.Trp1157Leu (c.3470G>T) is a missense variant that changes the amino acid at residue 1157 from Tryptophan to Leucine. This variant has been reported in the published literature (PMID:19351878;20378178;21215749;23637600;24344133;25659429;26703217;27006390). It is absent or not present at a significant frequency in gnomAD. In silico models agree that this variant is possibly or probably damaging. In conclusion, we classify CFH p.Trp1157Leu (c.3470G>T) as a variant of uncertain significance.

Literature cited by the submitters: PubMed 19351878; PubMed 20378178; PubMed 21215749; PubMed 23637600; PubMed 24344133; PubMed 25659429; PubMed 26703217; PubMed 27006390.

NM_000186.4(CFH):c.3470G>T (p.Trp1157Leu)

Gene: CFH (complement factor H; plus strand). Cytogenetic location: 1q31.3.
Variant type: single nucleotide variant.
Coding change: c.3470G>T on transcript NM_000186.4 (MANE Select); coding-DNA position 3470, G replaced by T.
Protein change: p.Trp1157Leu; replaces tryptophan 1157 with leucine.
Molecular consequence: missense variant.
Genome position (GRCh38, 1-based): chr1:196,745,976, G>T. VCF-style: chr1-196745976-G-T. GRCh37 (hg19) VCF-style: chr1-196715106-G-T.
Other names: short protein forms W1157L.
Identifiers: ClinVar variation 4291577 (VCV004291577.1).
Genomic context (GRCh38, chr1:196,745,976, plus strand): 5'-AATGCCAGAACTTGTATCAACTTGAGGGTAACAAGCGAATAACATGTAGAAATGGACAAT[G>T]GTCAGAACCACCAAAATGCTTACGTAAGTACTTTAATATTCACGTGGCTGGAAAAATCTC-3'
Protein context (NP_000177.2, residues 1147-1167): NKRITCRNGQ[Trp1157Leu]SEPPKCLHPC